The following is an entry in ClinVar:

ClinVar aggregate classification (germline): Pathogenic/Likely pathogenic. Review status: criteria provided, multiple submitters, no conflicts (2 of 4 stars). 3 submissions from 3 submitters: Pathogenic (1); Likely pathogenic (2). Last evaluated 2025-04-24.

Conditions:
Hypertelorism. Identifiers: MedGen C0020534, OMIM 145400, HP:0000316.
Corpus callosum, agenesis of. Also called: Corpus callosum agenesis; Mental retardation hypoplastic corpus callosum preauricular tag; Da silva syndrome; Isolated corpus callosum agenesis; Agenesis of the corpus callosum. Identifiers: Orphanet 200, MedGen C0175754, MONDO:0009022, OMIM 217990, HP:0001274.
Clinodactyly of the 5th finger. Identifiers: MedGen C1850049, HP:0004209.
Abnormal facial shape. Also called: Dysmorphic facial features; Dysmorphic facies. Identifiers: MedGen C0424503, HP:0001999.
Low-set ears. Identifiers: MedGen C0239234, HP:0000369.

Submissions (3):

GeneDx
Classification: Likely pathogenic. Last evaluated: 2025-04-24. Review status: criteria provided, single submitter. Criteria: GeneDx Variant Classification Process June 2021. Collection method: clinical testing. Allele origin: germline. Affected: yes.
Comment: Identified in a patient with an initial clinical diagnosis of Morsier syndrome in published literature (PMID: 31623504); Frameshift variant predicted to result in protein truncation or nonsense mediated decay in a gene for which loss of function is a known mechanism of disease; Not observed at significant frequency in large population cohorts (gnomAD); This variant is associated with the following publications: (PMID: 31623504)

Labcorp Genetics (formerly Invitae), Labcorp
Classification: Pathogenic. Last evaluated: 2021-05-05. Review status: criteria provided, single submitter. Criteria: Invitae Variant Classification Sherloc (09022015). Collection method: clinical testing. Allele origin: germline.
Comment: For these reasons, this variant has been classified as Pathogenic. This variant has not been reported in the literature in individuals with SLC12A6-related conditions. ClinVar contains an entry for this variant (Variation ID: 523557). This variant is not present in population databases (ExAC no frequency). This sequence change creates a premature translational stop signal (p.Ser252Leufs*38) in the SLC12A6 gene. It is expected to result in an absent or disrupted protein product. Loss-of-function variants in SLC12A6 are known to be pathogenic (PMID: 12368912, 16606917).

Centre for Mendelian Genomics, University Medical Centre Ljubljana
Classification: Likely pathogenic for Abnormal facial shape; Corpus callosum, agenesis of; Clinodactyly of the 5th finger; Hypertelorism; Low-set ears. Last evaluated: 2017-01-01. Review status: criteria provided, single submitter. Criteria: ACMG Guidelines, 2015. Collection method: clinical testing. Allele origin: unknown. Affected: yes.

Literature cited by the submitters: PubMed 12368912 (cited by Labcorp Genetics (formerly Invitae), Labcorp); PubMed 16606917 (cited by Labcorp Genetics (formerly Invitae), Labcorp).

NM_001365088.1(SLC12A6):c.752dup (p.Ser252fs)

Gene: SLC12A6 (solute carrier family 12 member 6; minus strand). Cytogenetic location: 15q14.
Variant type: Duplication.
Coding change: c.752dup on transcript NM_001365088.1 (MANE Select); coding-DNA position 752, one base duplicated (G; older notation c.752dupG).
Protein change: p.Ser252fs; shifts the reading frame from serine 252.
Molecular consequence: frameshift variant.
Genome position (GRCh38, 1-based): chr15:34,255,386, C duplicated on the plus strand (G on the coding strand, the reverse complement: SLC12A6 is on the minus strand); the first of 5 consecutive C bases (chr15:34,255,386-34,255,390); duplicating any one gives the same sequence. VCF-style (leftmost placement, unchanged base first): chr15-34255385-G-GC. GRCh37 (hg19) VCF-style: chr15-34547586-G-GC.
Other names: c.752dupG (NM_133647.1); c.752dup (NM_133647.1); c.575dup, p.Ser193fs (NM_001042494.2, NM_001042495.2); c.725dup, p.Ser243fs (NM_001042496.2); c.707dup, p.Ser237fs (NM_001042497.2); c.599dup, p.Ser201fs (NM_005135.2); c.752dup, p.Ser252fs (NM_133647.2); short protein forms S252fs, S201fs, S237fs, S243fs, S193fs.
Identifiers: ClinVar variation 523557 (VCV000523557.9), dbSNP rs1555380716, ClinGen allele CA658798292.